The following is an entry in ClinVar:

NM_007118.4(TRIO):c.7217_7218del (p.Ala2406fs)

Gene: TRIO (trio Rho guanine nucleotide exchange factor; plus strand). Cytogenetic location: 5p15.2.
Variant type: Deletion.
Coding change: c.7217_7218del on transcript NM_007118.4 (MANE Select); coding-DNA positions 7217 to 7218, 2 bases deleted (CG; older notation c.7217_7218delCG).
Protein change: p.Ala2406fs; shifts the reading frame from alanine 2406.
Molecular consequence: frameshift variant.
Genome position (GRCh38, 1-based): chr5:14,487,845-14,487,846, CG deleted; deleting any 2 consecutive bases within chr5:14,487,844-14,487,846 gives the same sequence; the c. name uses the placement nearest the transcript's 3' end. VCF-style (leftmost placement, unchanged base first): chr5-14487843-AGC-A. GRCh37 (hg19) VCF-style: chr5-14487952-AGC-A.
Other names: c.7217_7218delCG (NM_007118.2); short protein forms A2406fs.
Identifiers: ClinVar variation 4539986 (VCV004539986.2).

ClinVar aggregate classification (germline): Pathogenic/Likely pathogenic. Review status: criteria provided, multiple submitters, no conflicts (2 of 4 stars). 2 submissions from 2 submitters: Pathogenic (1); Likely pathogenic (1). Last evaluated 2025-10-14.

Conditions:
Inborn genetic diseases. Identifiers: MedGen C0950123, MeSH D030342.

Submissions (2):

Ambry Genetics
Classification: Pathogenic for Inborn genetic diseases. Last evaluated: 2025-10-14. Review status: criteria provided, single submitter. Criteria: Ambry Variant Classification Scheme 2023. Collection method: clinical testing. Allele origin: germline.
Comment: The c.7217_7218delCG (p.A2406Gfs*34) alteration, located in exon 48 (coding exon 48) of the TRIO gene, consists of a deletion of 2 nucleotides from position 7217 to 7218, causing a translational frameshift with a predicted alternate stop codon after 34 amino acids. This alteration is expected to result in loss of function by premature protein truncation or nonsense-mediated mRNA decay. for TRIO-related neurodevelopmental disorder with microcephaly; however, it is unlikely to be causative of TRIO-related neurodevelopmental disorder with macrocephaly. This variant was not reported in population-based cohorts in the Genome Aggregation Database (gnomAD). Based on the available evidence, this alteration is classified as pathogenic.

GeneDx
Classification: Likely pathogenic. Last evaluated: 2025-06-24. Review status: criteria provided, single submitter. Criteria: GeneDx Variant Classification Process June 2021. Collection method: clinical testing. Allele origin: germline. Affected: yes.
Comment: Not observed at significant frequency in large population cohorts (gnomAD); Has not been previously published as pathogenic or benign to our knowledge; Frameshift variant predicted to result in protein truncation or nonsense mediated decay in a gene for which loss of function is a known mechanism of disease